The following is an entry in ClinVar:

NM_001277115.2(DNAH11):c.234C>G (p.Ser78Arg)

Gene: DNAH11 (dynein axonemal heavy chain 11; plus strand). Cytogenetic location: 7p15.3.
Variant type: single nucleotide variant.
Coding change: c.234C>G on transcript NM_001277115.2 (MANE Select); coding-DNA position 234, C replaced by G.
Protein change: p.Ser78Arg; replaces serine 78 with arginine.
Molecular consequence: missense variant.
Genome position (GRCh38, 1-based): chr7:21,543,479, C>G. VCF-style: chr7-21543479-C-G. GRCh37 (hg19) VCF-style: chr7-21583097-C-G.
Other names: short protein forms S78R.
Identifiers: ClinVar variation 1024427 (VCV001024427.9), dbSNP rs1487726993, ClinGen allele CA366931422.

ClinVar aggregate classification (germline): Uncertain significance (1 of 4 stars; one submission).

Conditions:
Primary ciliary dyskinesia. Also called: Ciliary dyskinesia. Identifiers: Orphanet 244, MedGen C0008780, MONDO:0016575, HP:0012265.

Submission:

Labcorp Genetics (formerly Invitae), Labcorp
Classification: Uncertain significance for Primary ciliary dyskinesia. Last evaluated: 2022-03-03. Review status: criteria provided, single submitter. Criteria: Invitae Variant Classification Sherloc (09022015). Collection method: clinical testing. Allele origin: germline.
Comment: Advanced modeling of protein sequence and biophysical properties (such as structural, functional, and spatial information, amino acid conservation, physicochemical variation, residue mobility, and thermodynamic stability) performed at Invitae indicates that this missense variant is not expected to disrupt DNAH11 protein function. In summary, the available evidence is currently insufficient to determine the role of this variant in disease. Therefore, it has been classified as a Variant of Uncertain Significance. This variant has not been reported in the literature in individuals affected with DNAH11-related conditions. This variant is not present in population databases (gnomAD no frequency). This sequence change replaces serine, which is neutral and polar, with arginine, which is basic and polar, at codon 78 of the DNAH11 protein (p.Ser78Arg). ClinVar contains an entry for this variant (Variation ID: 1024427).